The following is an entry in ClinVar:

ClinVar aggregate classification (germline): not provided. Review status: no classification provided (0 of 4 stars). 4 submissions from 1 submitter: not provided (4).

Conditions:
Small for gestational age. Also called: Low birth weight. Identifiers: MedGen C0235991, HP:0001518.
Normal pregnancy. Identifiers: MedGen C0232989.
Gestational diabetes mellitus uncontrolled. Identifiers: MedGen C3532257.
Large for gestational age. Identifiers: MedGen C1848395, HP:0001520.

Submissions (4):

Institute of Molecular and Cell Biology, University of Tartu
No classification provided. Condition: Small for gestational age. Review status: no classification provided. Collection method: case-control. Allele origin: unknown. Affected: yes. Study: Kasak2014.
Comment: The study aimed to determine the contribution of copy number variants in the genetic etiology of normal and complicated pregnancies. The samples represented (i) maternal blood DNA drawn from healthy pregnant women during 1st or 2nd trimester and (ii) maternal and paternal blood DNA drawn at term pregnancy cases representing normal and complicated gestations (severe preeclampsia, PE; gestational diabetes, GD; small-for-gestational age newborn, SGA; large-for-gestational age newborn, LGA). We performed CNV calling based on genome-wide genotyping dataset (Illumina HumanOmniExpress-24-v1 BeadChip) by applying three algorithms, QuantiSNP, GADA (Genome Alteration Detection Algorithm) and CNstream in parallel. The acquired CNV calls were merged with HD-CNV (Hotspot Detector for Copy Number Variants) program and only the CNVs predicted by at least two programs, were considered in subsequent analysis.

Institute of Molecular and Cell Biology, University of Tartu
No classification provided. Condition: Large for gestational age. Review status: no classification provided. Collection method: case-control. Allele origin: unknown. Affected: yes. Study: Kasak2014.
Comment: the same text as in the submission from Institute of Molecular and Cell Biology, University of Tartu above.

Institute of Molecular and Cell Biology, University of Tartu
No classification provided. Condition: Gestational diabetes mellitus uncontrolled. Review status: no classification provided. Collection method: case-control. Allele origin: unknown. Affected: yes. Study: Kasak2014.
Comment: the same text as in the submission from Institute of Molecular and Cell Biology, University of Tartu above.

Institute of Molecular and Cell Biology, University of Tartu
No classification provided. Condition: Normal pregnancy. Review status: no classification provided. Collection method: case-control. Allele origin: unknown. Affected: yes. Study: Kasak2014.
Comment: the same text as in the submission from Institute of Molecular and Cell Biology, University of Tartu above.

Literature cited by the submitters: PubMed 25666259.

NC_000004.12:g.161031076_161082472dup

Genes: LOC132089060 (Neanderthal introgressed variant-containing enhancer experimental_75188; plus strand), LOC132089061 (Neanderthal introgressed variant-containing enhancer experimental_75194; plus strand), LOC132089062 (Neanderthal introgressed variant-containing enhancer experimental_75287; plus strand). Cytogenetic location: 4q32.2.
Variant type: Duplication.
Identifiers: ClinVar variation 156942 (VCV000156942.2).